The following is an entry in ClinVar:

NM_014391.3(ANKRD1):c.217A>G (p.Lys73Glu)

Gene: ANKRD1 (ankyrin repeat domain 1; minus strand). Cytogenetic location: 10q23.31.
Variant type: single nucleotide variant.
Coding change: c.217A>G on transcript NM_014391.3 (MANE Select); coding-DNA position 217, A replaced by G.
Protein change: p.Lys73Glu; replaces lysine 73 with glutamic acid.
Molecular consequence: missense variant.
Genome position (GRCh38, 1-based): chr10:90,919,259, T>C on the plus strand (A>G on the coding strand, the complement: ANKRD1 is on the minus strand). VCF-style: chr10-90919259-T-C. GRCh37 (hg19) VCF-style: chr10-92679016-T-C.
Other names: short protein forms K73E.
Identifiers: ClinVar variation 1787232 (VCV001787232.2), dbSNP rs1302708705, ClinGen allele CA377553059.

ClinVar aggregate classification (germline): Uncertain significance (1 of 4 stars; one submission).

Conditions:
Cardiovascular phenotype. Identifiers: MedGen CN230736.

Allele frequency attached by ClinVar (database versions not stated): gnomAD 0.00001.

Submission:

Ambry Genetics
Classification: Uncertain significance for Cardiovascular phenotype. Last evaluated: 2022-04-06. Review status: criteria provided, single submitter. Criteria: Ambry Variant Classification Scheme 2023. Collection method: clinical testing. Allele origin: germline.
Comment: The p.K73E variant (also known as c.217A>G), located in coding exon 3 of the ANKRD1 gene, results from an A to G substitution at nucleotide position 217. The lysine at codon 73 is replaced by glutamic acid, an amino acid with similar properties. This amino acid position is conserved. In addition, this alteration is predicted to be tolerated by in silico analysis. Since supporting evidence is limited at this time, the clinical significance of this alteration remains unclear.